The following is an entry in ClinVar:

ClinVar aggregate classification (germline): Uncertain significance (1 of 4 stars; one submission).

Conditions:
Inborn genetic diseases. Identifiers: MedGen C0950123, MeSH D030342.

Submission:

Ambry Genetics
Classification: Uncertain significance for Inborn genetic diseases. Last evaluated: 2025-09-29. Review status: criteria provided, single submitter. Criteria: Ambry Variant Classification Scheme 2023. Collection method: clinical testing. Allele origin: germline.
Comment: The p.Q471L variant (also known as c.1412A>T), located in coding exon 13 of the AKT1 gene, results from an A to T substitution at nucleotide position 1412. The glutamine at codon 471 is replaced by leucine, an amino acid with dissimilar properties. This amino acid position is conserved. In addition, the in silico prediction for this alteration is inconclusive. Based on the available evidence, the clinical significance of this variant remains unclear.

NM_001382430.1(AKT1):c.1412A>T (p.Gln471Leu)

Gene: AKT1 (AKT serine/threonine kinase 1; minus strand). Cytogenetic location: 14q32.33.
Variant type: single nucleotide variant.
Coding change: c.1412A>T on transcript NM_001382430.1 (MANE Select); coding-DNA position 1412, A replaced by T.
Protein change: p.Gln471Leu; replaces glutamine 471 with leucine.
Molecular consequence: missense variant.
Genome position (GRCh38, 1-based): chr14:104,770,372, T>A on the plus strand (A>T on the coding strand, the complement: AKT1 is on the minus strand). VCF-style: chr14-104770372-T-A. GRCh37 (hg19) VCF-style: chr14-105236709-T-A.
Other names: c.1412A>T, p.Gln471Leu (NM_001014431.2, NM_001014432.2, NM_001382431.1 and 3 more transcripts); short protein forms Q471L.
Identifiers: ClinVar variation 4573947 (VCV004573947.1).